The following is an entry in ClinVar:

NM_004946.3(DOCK2):c.3056C>G (p.Thr1019Arg)

Gene: DOCK2 (dedicator of cytokinesis 2; plus strand). Cytogenetic location: 5q35.1.
Variant type: single nucleotide variant.
Coding change: c.3056C>G on transcript NM_004946.3 (MANE Select); coding-DNA position 3056, C replaced by G.
Protein change: p.Thr1019Arg; replaces threonine 1019 with arginine.
Molecular consequence: missense variant. On other transcripts: non-coding transcript variant (1).
Genome position (GRCh38, 1-based): chr5:169,996,148, C>G. VCF-style: chr5-169996148-C-G. GRCh37 (hg19) VCF-style: chr5-169423152-C-G.
Other names: short protein forms T1019R.
Identifiers: ClinVar variation 958609 (VCV000958609.8), dbSNP rs368028175, ClinGen allele CA132008885.

ClinVar aggregate classification (germline): Uncertain significance. Review status: criteria provided, multiple submitters, no conflicts (2 of 4 stars). 2 submissions from 2 submitters: Uncertain significance (2). Last evaluated 2022-11-08.

Conditions:
Inborn genetic diseases. Identifiers: MedGen C0950123, MeSH D030342.
DOCK2 deficiency. Also called: Immunodeficiency 40. Identifiers: Orphanet 447737, MedGen C4225328, MONDO:0014637, OMIM 616433.

Allele frequency attached by ClinVar (database versions not stated): TOPMed 0.00003.
gnomAD v4.1: 18 of 1,613,724 alleles (0.0011%); highest among the groups gnomAD compares: Non-Finnish European, 0.0015%; no homozygotes.

Submissions (2):

Ambry Genetics
Classification: Uncertain significance for Inborn genetic diseases. Last evaluated: 2022-11-08. Review status: criteria provided, single submitter. Criteria: Ambry Variant Classification Scheme 2023. Collection method: clinical testing. Allele origin: germline.

Labcorp Genetics (formerly Invitae), Labcorp
Classification: Uncertain significance for DOCK2 deficiency. Last evaluated: 2022-08-17. Review status: criteria provided, single submitter. Criteria: Invitae Variant Classification Sherloc (09022015). Collection method: clinical testing. Allele origin: germline.
Comment: In summary, the available evidence is currently insufficient to determine the role of this variant in disease. Therefore, it has been classified as a Variant of Uncertain Significance. Algorithms developed to predict the effect of missense changes on protein structure and function (SIFT, PolyPhen-2, Align-GVGD) all suggest that this variant is likely to be tolerated. ClinVar contains an entry for this variant (Variation ID: 958609). This variant has not been reported in the literature in individuals affected with DOCK2-related conditions. The frequency data for this variant in the population databases is considered unreliable, as metrics indicate poor data quality at this position in the gnomAD database. This sequence change replaces threonine, which is neutral and polar, with arginine, which is basic and polar, at codon 1019 of the DOCK2 protein (p.Thr1019Arg).